The following is an entry in ClinVar:

ClinVar aggregate classification (germline): Conflicting classifications of pathogenicity. Review status: criteria provided, conflicting classifications (1 of 4 stars). 3 submissions from 3 submitters: Uncertain significance (1); Likely benign (1). 1 of the submissions does not count toward it. Last evaluated 2025-02-01.

Conditions:
STARD9-related disorder. Also called: STARD9-related condition.

Allele frequency attached by ClinVar (database versions not stated): 1000 Genomes Project 30x 0.00078; 1000 Genomes Project 0.00080; ExAC 0.00136; TOPMed 0.00173; gnomAD 0.00185; ESP Exome Variant Server 0.00219.
gnomAD v4.1: 3,341 of 1,536,438 alleles (0.22%); highest among the groups gnomAD compares: Non-Finnish European, 0.25%; 6 homozygotes.

Submissions (3):

CeGaT Center for Human Genetics Tuebingen
Classification: Likely benign. Last evaluated: 2025-02-01. Review status: criteria provided, single submitter. Criteria: CeGaT Center For Human Genetics Tuebingen Variant Classification Criteria Version 2. Collection method: clinical testing. Allele origin: germline. Affected: yes. Observed: 4 variant alleles.
Comment: STARD9: BP4, BS2

Ambry Genetics
Classification: Uncertain significance. Last evaluated: 2021-08-09. Review status: criteria provided, single submitter. Criteria: Ambry Variant Classification Scheme 2023. Collection method: clinical testing. Allele origin: germline.

PreventionGenetics, part of Exact Sciences
Classification: Likely benign for STARD9-related condition. Last evaluated: 2023-03-23. Review status: no assertion criteria provided. Collection method: clinical testing. Allele origin: germline. Not counted in ClinVar's aggregate classification.
Comment: This variant is classified as likely benign based on ACMG/AMP sequence variant interpretation guidelines (Richards et al. 2015 PMID: 25741868, with internal and published modifications).

NM_020759.3(STARD9):c.1655G>T (p.Arg552Leu)

Gene: STARD9 (StAR related lipid transfer domain containing 9; plus strand). Cytogenetic location: 15q15.2.
Variant type: single nucleotide variant.
Coding change: c.1655G>T on transcript NM_020759.3 (MANE Select); coding-DNA position 1655, G replaced by T.
Protein change: p.Arg552Leu; replaces arginine 552 with leucine.
Molecular consequence: missense variant.
Genome position (GRCh38, 1-based): chr15:42,674,932, G>T. VCF-style: chr15-42674932-G-T. GRCh37 (hg19) VCF-style: chr15-42967130-G-T.
Other names: c.1655G>T (NM_020759.2); short protein forms R552L.
Identifiers: ClinVar variation 807220 (VCV000807220.45), dbSNP rs202074007, ClinGen allele CA7514123.
Genomic context (GRCh38, chr15:42,674,932, plus strand): 5'-GTGCCTGTGGTGTAGTTGTTCTACGACCTGCCCGTGGGGCCCGCTGTACAGTCAATGGCC[G>T]GGAGGTCACTGCCTCCTGCCGTCTGACTCAAGGTAGGACTGTCTGTAGCCCTGTTTATCC-3'
Protein context (NP_065810.2, residues 542-562): ARGARCTVNG[Arg552Leu]EVTASCRLTQ